The following is an entry in ClinVar:

NM_024079.5(ALG8):c.1207G>A (p.Ala403Thr)

Gene: ALG8 (ALG8 alpha-1,3-glucosyltransferase; minus strand). Cytogenetic location: 11q14.1.
Variant type: single nucleotide variant.
Coding change: c.1207G>A on transcript NM_024079.5 (MANE Select); coding-DNA position 1207, G replaced by A.
Protein change: p.Ala403Thr; replaces alanine 403 with threonine.
Molecular consequence: missense variant. On other transcripts: non-coding transcript variant (2), intron variant (2).
Genome position (GRCh38, 1-based): chr11:78,104,425, C>T on the plus strand (G>A on the coding strand, the complement: ALG8 is on the minus strand). VCF-style: chr11-78104425-C-T. GRCh37 (hg19) VCF-style: chr11-77815471-C-T.
Other names: c.1300G>A, p.Ala434Thr (NM_001425224.1); c.1255G>A, p.Ala419Thr (NM_001425225.1); c.1054G>A, p.Ala352Thr (NM_001425226.1, NM_001425236.1); c.1033G>A, p.Ala345Thr (NM_001425228.1, NM_001425237.1); c.1207G>A, p.Ala403Thr (NM_001425229.1, NM_001425230.1, NM_001425232.1 and 2 more transcripts); c.1006G>A, p.Ala336Thr (NM_001425231.1); c.946G>A, p.Ala316Thr (NM_001425233.1); c.943G>A, p.Ala315Thr (NM_001425234.1, NM_001425239.1); and 11 more; short protein forms A231T, A275T, A345T, A352T, A378T, A398T, A404T, A218T.
Identifiers: ClinVar variation 4270807 (VCV004270807.2).

ClinVar aggregate classification (germline): Uncertain significance. Review status: criteria provided, multiple submitters, no conflicts (2 of 4 stars). 2 submissions from 2 submitters: Uncertain significance (2). Last evaluated 2025-11-25.

Conditions:
Inborn genetic diseases. Identifiers: MedGen C0950123, MeSH D030342.
ALG8 congenital disorder of glycosylation. Also called: ALG8-CDG; CONGENITAL DISORDER OF GLYCOSYLATION, TYPE Ih; CDG Ih. Identifiers: Orphanet 79325, MedGen C2931002, MONDO:0011969, OMIM 608104.

gnomAD v4.1: 6 of 1,594,812 alleles (0.00038%); highest among the groups gnomAD compares: African/African-American, 0.0027%; no homozygotes.

Submissions (2):

Labcorp Genetics (formerly Invitae), Labcorp
Classification: Uncertain significance for ALG8 congenital disorder of glycosylation. Last evaluated: 2025-11-25. Review status: criteria provided, single submitter. Criteria: Invitae Variant Classification Sherloc (09022015). Collection method: clinical testing. Allele origin: germline.
Comment: This sequence change replaces alanine, which is neutral and non-polar, with threonine, which is neutral and polar, at codon 403 of the ALG8 protein (p.Ala403Thr). This variant is not present in population databases (gnomAD no frequency). This variant has not been reported in the literature in individuals affected with ALG8-related conditions. ClinVar contains an entry for this variant (Variation ID: 4270807). Invitae Evidence Modeling of protein sequence and biophysical properties (such as structural, functional, and spatial information, amino acid conservation, physicochemical variation, residue mobility, and thermodynamic stability) indicates that this missense variant is not expected to disrupt ALG8 protein function with a negative predictive value of 80%. In summary, the available evidence is currently insufficient to determine the role of this variant in disease. Therefore, it has been classified as a Variant of Uncertain Significance.

Ambry Genetics
Classification: Uncertain significance for Inborn genetic diseases. Last evaluated: 2025-08-12. Review status: criteria provided, single submitter. Criteria: Ambry Variant Classification Scheme 2023. Collection method: clinical testing. Allele origin: germline.